The following is an entry in ClinVar:

ClinVar aggregate classification (germline): Uncertain significance. Review status: criteria provided, multiple submitters, no conflicts (2 of 4 stars). 2 submissions from 2 submitters: Uncertain significance (2). Last evaluated 2025-04-18.

Conditions:
Inborn genetic diseases. Identifiers: MedGen C0950123, MeSH D030342.

Allele frequency attached by ClinVar (database versions not stated): gnomAD exomes below 0.00001; gnomAD 0.00001; TOPMed 0.00001; ExAC 0.00002.
gnomAD v4.1: 8 of 1,614,148 alleles (0.0005%); highest among the groups gnomAD compares: East Asian, 0.0045%; no homozygotes.

Submissions (2):

Labcorp Genetics (formerly Invitae), Labcorp
Classification: Uncertain significance. Last evaluated: 2025-04-18. Review status: criteria provided, single submitter. Criteria: Invitae Variant Classification Sherloc (09022015). Collection method: clinical testing. Allele origin: germline.
Comment: This sequence change replaces proline, which is neutral and non-polar, with serine, which is neutral and polar, at codon 306 of the P3H2 protein (p.Pro306Ser). This variant is present in population databases (rs377364897, gnomAD 0.02%). This variant has not been reported in the literature in individuals affected with P3H2-related conditions. ClinVar contains an entry for this variant (Variation ID: 1916605). Invitae Evidence Modeling of protein sequence and biophysical properties (such as structural, functional, and spatial information, amino acid conservation, physicochemical variation, residue mobility, and thermodynamic stability) indicates that this missense variant is not expected to disrupt P3H2 protein function with a negative predictive value of 80%. In summary, the available evidence is currently insufficient to determine the role of this variant in disease. Therefore, it has been classified as a Variant of Uncertain Significance.

Ambry Genetics
Classification: Uncertain significance for Inborn genetic diseases. Last evaluated: 2023-12-20. Review status: criteria provided, single submitter. Criteria: Ambry Variant Classification Scheme 2023. Collection method: clinical testing. Allele origin: germline.

NM_018192.4(P3H2):c.916C>T (p.Pro306Ser)

Gene: P3H2 (prolyl 3-hydroxylase 2; minus strand). Cytogenetic location: 3q28.
Variant type: single nucleotide variant.
Coding change: c.916C>T on transcript NM_018192.4 (MANE Select); coding-DNA position 916, C replaced by T.
Protein change: p.Pro306Ser; replaces proline 306 with serine.
Molecular consequence: missense variant.
Genome position (GRCh38, 1-based): chr3:189,988,946, G>A on the plus strand (C>T on the coding strand, the complement: P3H2 is on the minus strand). VCF-style: chr3-189988946-G-A. GRCh37 (hg19) VCF-style: chr3-189706735-G-A.
Other names: c.373C>T, p.Pro125Ser (NM_001134418.2); c.916C>T (NM_018192.3); short protein forms P306S, P125S.
Identifiers: ClinVar variation 1916605 (VCV001916605.5), dbSNP rs377364897, ClinGen allele CA2753180.